The following is an entry in ClinVar:

NM_000435.3(NOTCH3):c.3568C>T (p.Arg1190Cys)

Gene: NOTCH3 (notch receptor 3; minus strand). Cytogenetic location: 19p13.12.
Variant type: single nucleotide variant.
Coding change: c.3568C>T on transcript NM_000435.3 (MANE Select); coding-DNA position 3568, C replaced by T.
Protein change: p.Arg1190Cys; replaces arginine 1190 with cysteine.
Molecular consequence: missense variant.
Genome position (GRCh38, 1-based): chr19:15,179,175, G>A on the plus strand (C>T on the coding strand, the complement: NOTCH3 is on the minus strand). VCF-style: chr19-15179175-G-A. GRCh37 (hg19) VCF-style: chr19-15289986-G-A.
Other names: p.Arg1190Cys; c.3568C>T (NM_000435.2); short protein forms R1190C.
Identifiers: ClinVar variation 2683484 (VCV002683484.4), dbSNP rs377099118, ClinGen allele CA9263051.

ClinVar aggregate classification (germline): Uncertain significance. Review status: criteria provided, multiple submitters, no conflicts (2 of 4 stars). 2 submissions from 2 submitters: Uncertain significance (2). Last evaluated 2025-09-15.

Conditions:
NOTCH3-related disorder. Also called: NOTCH3-related disorders; NOTCH3-related condition.

Allele frequency attached by ClinVar (database versions not stated): gnomAD exomes 0.00003; ExAC 0.00004; TOPMed 0.00004; gnomAD 0.00005; ESP Exome Variant Server 0.00008.
gnomAD v4.1: 51 of 1,613,988 alleles (0.0032%); highest among the groups gnomAD compares: South Asian, 0.011%; 1 homozygote.

Submissions (2):

PreventionGenetics, part of Exact Sciences
Classification: Uncertain significance for NOTCH3-related condition. Last evaluated: 2025-09-15. Review status: criteria provided, single submitter. Criteria: ACMG Guidelines, 2015. Collection method: clinical testing. Allele origin: germline.
Comment: The NOTCH3 c.3568C>T variant is predicted to result in the amino acid substitution p.Arg1190Cys. To our knowledge, this variant has not been reported in any individuals diagnosed with CADASIL in the literature. Most CADASIL causing variants in the NOTCH3 gene result in the gain or loss of one or more cysteine residues in the extracellular domain of the protein, as seen in this patient. This patient’s variant adds a cysteine residue and is located in the extracellular EGF-like domain 30. Pathogenic variants in EGF-like domains 1-6 appear to be fully penetrant and are usually associated with the classical CADASIL phenotype. However, there is variability in disease severity. Pathogenic variants in EGF-like domains 7-34 have a much higher population frequency, and can predispose to a milder small-vessel disease, possibly even displaying incomplete or at least very late onset complete penetrance (OMIM #125310; Rutten et al. 2016. PubMed ID: 27844030; Rutten et al. 2019. PubMed ID: 30032161). (Rutten et al. 2016. PubMed ID: 27844030). This variant is reported in 0.016% of alleles in individuals of South Asian descent in gnomAD, which is higher than expected for an undocumented disease-causing CADASIL variant. At this time, the clinical significance of this variant is uncertain due to the absence of conclusive functional and genetic evidence.

Mayo Clinic Laboratories, Mayo Clinic
Classification: Uncertain significance. Last evaluated: 2023-01-05. Review status: criteria provided, single submitter. Criteria: ACMG Guidelines, 2015. Collection method: clinical testing. Allele origin: germline. Observed: 1 variant allele.

Literature cited by the submitters: PubMed 27844030 (cited by Mayo Clinic Laboratories, Mayo Clinic); PubMed 32732295 (cited by Mayo Clinic Laboratories, Mayo Clinic).